The following is an entry in ClinVar:

ClinVar aggregate classification (germline): Uncertain significance (1 of 4 stars; one submission).

Submission:

Labcorp Genetics (formerly Invitae), Labcorp
Classification: Uncertain significance. Last evaluated: 2023-09-22. Review status: criteria provided, single submitter. Criteria: Invitae Variant Classification Sherloc (09022015). Collection method: clinical testing. Allele origin: germline.
Comment: This sequence change replaces tyrosine, which is neutral and polar, with cysteine, which is neutral and slightly polar, at codon 3938 of the USH2A protein (p.Tyr3938Cys). This variant is not present in population databases (gnomAD no frequency). This variant has not been reported in the literature in individuals affected with USH2A-related conditions. Advanced modeling of protein sequence and biophysical properties (such as structural, functional, and spatial information, amino acid conservation, physicochemical variation, residue mobility, and thermodynamic stability) performed at Invitae indicates that this missense variant is expected to disrupt USH2A protein function. In summary, the available evidence is currently insufficient to determine the role of this variant in disease. Therefore, it has been classified as a Variant of Uncertain Significance.

NM_206933.4(USH2A):c.11813A>G (p.Tyr3938Cys)

Gene: USH2A (usherin; minus strand). Cytogenetic location: 1q41.
Variant type: single nucleotide variant.
Coding change: c.11813A>G on transcript NM_206933.4 (MANE Select); coding-DNA position 11813, A replaced by G.
Protein change: p.Tyr3938Cys; replaces tyrosine 3938 with cysteine.
Molecular consequence: missense variant.
Genome position (GRCh38, 1-based): chr1:215,728,283, T>C on the plus strand (A>G on the coding strand, the complement: USH2A is on the minus strand). VCF-style: chr1-215728283-T-C. GRCh37 (hg19) VCF-style: chr1-215901625-T-C.
Other names: short protein forms Y3938C.
Identifiers: ClinVar variation 2762591 (VCV002762591.3), dbSNP rs2465050148, ClinGen allele CA344829216.